The following is an entry in ClinVar:

ClinVar aggregate classification (germline): Uncertain significance (1 of 4 stars; one submission).

Conditions:
Neurofibromatosis, type 1 (NF1). Also called: NEUROFIBROMATOSIS, TYPE I, SOMATIC; VON RECKLINGHAUSEN DISEASE; Neurofibromatosis, type I; Peripheral type neurofibromatosis. Identifiers: Orphanet 636, MedGen C0027831, MONDO:0018975, OMIM 162200. Disease mechanism: loss of function.

Submission:

Labcorp Genetics (formerly Invitae), Labcorp
Classification: Uncertain significance for Neurofibromatosis, type 1. Last evaluated: 2018-10-23. Review status: criteria provided, single submitter. Criteria: Invitae Variant Classification Sherloc (09022015). Collection method: clinical testing. Allele origin: germline.
Comment: In summary, the available evidence is currently insufficient to determine the role of this variant in disease. Therefore, it has been classified as a Variant of Uncertain Significance. Algorithms developed to predict the effect of missense changes on protein structure and function output the following: SIFT: "Tolerated"; PolyPhen-2: "Benign"; Align-GVGD: "Class C0". The alanine amino acid residue is found in multiple mammalian species, suggesting that this missense change does not adversely affect protein function. These predictions have not been confirmed by published functional studies and their clinical significance is uncertain. This variant has not been reported in the literature in individuals with NF1-related disease. This variant is not present in population databases (ExAC no frequency). This sequence change replaces threonine with alanine at codon 653 of the NF1 protein (p.Thr653Ala). The threonine residue is weakly conserved and there is a small physicochemical difference between threonine and alanine.

NM_001042492.3(NF1):c.1957A>G (p.Thr653Ala)

Gene: NF1 (neurofibromin 1; plus strand). Cytogenetic location: 17q11.2.
Variant type: single nucleotide variant.
Coding change: c.1957A>G on transcript NM_001042492.3 (MANE Select); coding-DNA position 1957, A replaced by G.
Protein change: p.Thr653Ala; replaces threonine 653 with alanine.
Molecular consequence: missense variant.
Genome position (GRCh38, 1-based): chr17:31,225,206, A>G. VCF-style: chr17-31225206-A-G. GRCh37 (hg19) VCF-style: chr17-29552224-A-G.
Other names: c.1957A>G, p.Thr653Ala (NM_000267.4); short protein forms T653A.
Identifiers: ClinVar variation 643514 (VCV000643514.5), dbSNP rs1597710712, ClinGen allele CA399005506.